The following is an entry in ClinVar:

NM_000361.3(THBD):c.1016G>A (p.Arg339His)

Gene: THBD (thrombomodulin; minus strand). Cytogenetic location: 20p11.21.
Variant type: single nucleotide variant.
Coding change: c.1016G>A on transcript NM_000361.3 (MANE Select); coding-DNA position 1016, G replaced by A.
Protein change: p.Arg339His; replaces arginine 339 with histidine.
Molecular consequence: missense variant.
Genome position (GRCh38, 1-based): chr20:23,048,489, C>T on the plus strand (G>A on the coding strand, the complement: THBD is on the minus strand). VCF-style: chr20-23048489-C-T. GRCh37 (hg19) VCF-style: chr20-23029126-C-T.
Other names: short protein forms R339H.
Identifiers: ClinVar variation 2128456 (VCV002128456.4), dbSNP rs746618505, ClinGen allele CA9787641.

ClinVar aggregate classification (germline): Uncertain significance (1 of 4 stars; one submission).

Allele frequency attached by ClinVar (database versions not stated): ExAC 0.00001.
gnomAD v4.1: 3 of 1,610,456 alleles (0.00019%); highest among the groups gnomAD compares: Admixed American, 0.0017%; no homozygotes.

Submission:

Labcorp Genetics (formerly Invitae), Labcorp
Classification: Uncertain significance. Last evaluated: 2022-04-20. Review status: criteria provided, single submitter. Criteria: Invitae Variant Classification Sherloc (09022015). Collection method: clinical testing. Allele origin: germline.
Comment: In summary, the available evidence is currently insufficient to determine the role of this variant in disease. Therefore, it has been classified as a Variant of Uncertain Significance. Algorithms developed to predict the effect of missense changes on protein structure and function (SIFT, PolyPhen-2, Align-GVGD) all suggest that this variant is likely to be tolerated. This variant has not been reported in the literature in individuals affected with THBD-related conditions. This variant is present in population databases (rs746618505, gnomAD 0.003%). This sequence change replaces arginine, which is basic and polar, with histidine, which is basic and polar, at codon 339 of the THBD protein (p.Arg339His).